The following is an entry in ClinVar:

ClinVar aggregate classification (germline): Uncertain significance (1 of 4 stars; one submission).

Conditions:
Neurodegeneration, childhood-onset, with cerebellar atrophy. Identifiers: MedGen C4748934, MONDO:0032650, OMIM 618276.

Submission:

Clinical Genomics Laboratory, Washington University in St. Louis
Classification: Uncertain significance for Neurodegeneration, childhood-onset, with cerebellar atrophy. Last evaluated: 2024-10-07. Review status: criteria provided, single submitter. Criteria: ACMG Guidelines, 2015. Collection method: clinical testing. Allele origin: germline.
Comment: The AGTPBP1 c.2904-7_2904-2dup variant, to our knowledge, has not been reported in the medical literature. This variant is absent from the general population (gnomAD v.2.1.1), indicating it is not a common variant. Computational predictors are uncertain as to the impact of this variant on AGTPBP1 function. Due to limited information, and based on ACMG/AMP guidelines for variant interpretation (Richards S et al., PMID: 25741868), the clinical significance of this variant is uncertain at this time

NM_001330701.2(AGTPBP1):c.2904-7_2904-2dup

Gene: AGTPBP1 (ATP/GTP binding carboxypeptidase 1; minus strand). Cytogenetic location: 9q21.33.
Variant type: Duplication.
Coding change: c.2904-7_2904-2dup on transcript NM_001330701.2 (MANE Select); 7 bases into the intron before coding-DNA position 2904 through the canonical splice acceptor site of the intron before coding-DNA position 2904, 6 bases duplicated (CATGTA; older notation c.2904-7_2904-2dupCATGTA).
Molecular consequence: splice acceptor variant.
Genome position (GRCh38, 1-based): chr9:85,586,962-85,586,967, TACATG duplicated on the plus strand (CATGTA on the coding strand, the reverse complement: AGTPBP1 is on the minus strand); duplicating any 6 consecutive bases within chr9:85,586,962-85,586,972 gives the same sequence; the c. name uses the placement nearest the transcript's 3' end. VCF-style (leftmost placement, unchanged base first): chr9-85586961-C-CTACATG. GRCh37 (hg19) VCF-style: chr9-88201876-C-CTACATG.
Other names: c.2940-7_2940-2dup (NM_001286717.1); c.3060-7_3060-2dup (NM_001286715.1); c.2784-7_2784-2dup (NM_015239.3).
Identifiers: ClinVar variation 3602598 (VCV003602598.1).